The following is an entry in ClinVar:

ClinVar aggregate classification (germline): Pathogenic (3 of 4 stars; one submission).

Conditions:
Breast-ovarian cancer, familial, susceptibility to, 1 (BROVCA1). Also called: BRCA1 Hereditary Breast and Ovarian Cancer; OVARIAN CANCER, SUSCEPTIBILITY TO. Identifiers: Orphanet 145, MedGen C2676676, MONDO:0011450, OMIM 604370. Disease mechanism: loss of function.

Submission:

Evidence-based Network for the Interpretation of Germline Mutant Alleles (ENIGMA)
Classification: Pathogenic for Breast-ovarian cancer, familial, susceptibility to, 1. Last evaluated: 2017-12-15. Review status: reviewed by expert panel. Criteria: ENIGMA BRCA1/2 Classification Criteria (2017-06-29). Collection method: curation. Allele origin: germline. Study: ENIGMA.
Comment: Variant allele predicted to encode a truncated non-functional protein.

NM_007294.4(BRCA1):c.2563_2564insGC (p.Gln855fs)

Gene: BRCA1 (BRCA1 DNA repair associated; minus strand). Cytogenetic location: 17q21.31.
Variant type: Insertion.
Coding change: c.2563_2564insGC on transcript NM_007294.4 (MANE Select); coding-DNA positions 2563 to 2564, GC inserted.
Protein change: p.Gln855fs; shifts the reading frame from glutamine 855.
Molecular consequence: frameshift variant. On other transcripts: intron variant (137).
Genome position: GRCh38 VCF-style: chr17-43092967-T-TGC. GRCh37 (hg19) VCF-style: chr17-41244984-T-TGC.
Other names: c.2563_2564insGC, p.Gln855fs (NM_007294.3, NM_001407854.1, NM_001407858.1 and 31 more transcripts); c.2422_2423insGC, p.Gln808fs (NM_001407735.1, NM_001407736.1, NM_001407737.1 and 29 more transcripts); c.2419_2420insGC, p.Gln807fs (NM_001407740.1, NM_001407741.1, NM_001407742.1 and 20 more transcripts); c.2350_2351insGC, p.Gln784fs (NM_001407853.1, NM_001407894.1, NM_001407895.1 and 9 more transcripts); c.2560_2561insGC, p.Gln854fs (NM_001407860.1, NM_001407861.1, NM_001407587.1 and 22 more transcripts); c.2362_2363insGC, p.Gln788fs (NM_001407862.1); c.2440_2441insGC, p.Gln814fs (NM_001407863.1, NM_001407919.1, NM_001407937.1 and 19 more transcripts); c.2359_2360insGC, p.Gln787fs (NM_001407874.1, NM_001407875.1); and 41 more; short protein forms Q808fs, Q855fs, Q559fs, Q727fs, Q728fs, Q744fs, Q788fs, Q807fs.
Identifiers: ClinVar variation 548172 (VCV000548172.2), dbSNP rs1555589397, ClinGen allele CA658824002.
Genomic context (GRCh38, chr17:43,092,967, plus strand): 5'-GGATTTGAAAACGGAGCAAATGACTGGCGCTTTGAAACCTTGAATGTATTCTGCAAATAC[T>TGC]GAGCATCAAGTTCACTTTCTTCCATTTCTATGCTTGTTTCCCGACTGTGGTTAACTTCAT-3'